The following is an entry in ClinVar:

NM_003000.3(SDHB):c.832G>C (p.Ala278Pro)

Gene: SDHB (succinate dehydrogenase complex iron sulfur subunit B; minus strand). Cytogenetic location: 1p36.13.
Variant type: single nucleotide variant.
Coding change: c.832G>C on transcript NM_003000.3 (MANE Select); coding-DNA position 832, G replaced by C.
Protein change: p.Ala278Pro; replaces alanine 278 with proline.
Molecular consequence: missense variant.
Genome position (GRCh38, 1-based): chr1:17,018,892, C>G on the plus strand (G>C on the coding strand, the complement: SDHB is on the minus strand). VCF-style: chr1-17018892-C-G. GRCh37 (hg19) VCF-style: chr1-17345387-C-G.
Other names: c.778G>C, p.Ala260Pro (NM_001407361.1); short protein forms A260P, A278P.
Identifiers: ClinVar variation 2135130 (VCV002135130.5), dbSNP rs2524994804, ClinGen allele CA338268690.

ClinVar aggregate classification (germline): Uncertain significance. Review status: criteria provided, multiple submitters, no conflicts (2 of 4 stars). 2 submissions from 2 submitters: Uncertain significance (2). Last evaluated 2026-07-07.

Conditions:
Hereditary cancer-predisposing syndrome. Also called: Tumor predisposition; Hereditary Cancer Syndrome; Hereditary neoplastic syndrome; Neoplastic Syndromes, Hereditary. Identifiers: Orphanet 140162, MedGen C0027672, MeSH D009386, MONDO:0015356.
Pheochromocytoma/paraganglioma syndrome 4. Also called: CAROTID BODY TUMORS AND MULTIPLE EXTRAADRENAL PHEOCHROMOCYTOMAS; PARAGANGLIOMA, FAMILIAL MALIGNANT; PARAGANGLIOMAS, HEREDITARY EXTRAADRENAL; PHEOCHROMOCYTOMA, FAMILIAL EXTRAADRENAL; Paragangliomas 4; SDHB-Related Hereditary Paraganglioma-Pheochromocytoma Syndrome (Paragangliomas 4). Identifiers: Orphanet 29072, MedGen C1861848, MONDO:0007273, OMIM 115310.
Pheochromocytoma. Also called: MAX-Related Hereditary Paraganglioma-Pheochromocytoma Syndrome. Identifiers: Orphanet 29072, MedGen C0031511, MONDO:0008233, OMIM 171300, HP:0002666.
Gastrointestinal stromal tumor. Also called: Gastrointestinal stroma tumor; Gastrointestinal stromal tumor, somatic. Identifiers: Orphanet 44890, MedGen C0238198, MeSH D046152, MONDO:0011719, OMIM 606764, HP:0100723.

Submissions (2):

Ambry Genetics
Classification: Uncertain significance for Hereditary cancer-predisposing syndrome. Last evaluated: 2026-07-07. Review status: criteria provided, single submitter. Criteria: Ambry Variant Classification Scheme 2023. Collection method: clinical testing. Allele origin: germline.
Comment: The p.A278P variant (also known as c.832G>C), located in coding exon 8 of the SDHB gene, results from a G to C substitution at nucleotide position 832. The alanine at codon 278 is replaced by proline, an amino acid with highly similar properties. This amino acid position is conserved. In addition, this alteration is predicted to be deleterious by in silico analysis. Based on the available evidence, the clinical significance of this variant remains unclear.

Labcorp Genetics (formerly Invitae), Labcorp
Classification: Uncertain significance for Gastrointestinal stromal tumor; Pheochromocytoma/paraganglioma syndrome 4; Pheochromocytoma. Last evaluated: 2022-05-07. Review status: criteria provided, single submitter. Criteria: Invitae Variant Classification Sherloc (09022015). Collection method: clinical testing. Allele origin: germline.
Comment: This variant is not present in population databases (gnomAD no frequency). This sequence change replaces alanine, which is neutral and non-polar, with proline, which is neutral and non-polar, at codon 278 of the SDHB protein (p.Ala278Pro). This variant has not been reported in the literature in individuals affected with SDHB-related conditions. Advanced modeling of protein sequence and biophysical properties (such as structural, functional, and spatial information, amino acid conservation, physicochemical variation, residue mobility, and thermodynamic stability) performed at Invitae indicates that this missense variant is not expected to disrupt SDHB protein function. In summary, the available evidence is currently insufficient to determine the role of this variant in disease. Therefore, it has been classified as a Variant of Uncertain Significance.